The following is an entry in ClinVar:

ClinVar aggregate classification (germline): Uncertain significance (1 of 4 stars; one submission).

Conditions:
Progressive myoclonic epilepsy type 5. Identifiers: Orphanet 402082, MedGen C5190799.

Allele frequency attached by ClinVar (database versions not stated): gnomAD exomes below 0.00001 and 0.00002; TOPMed 0.00002; gnomAD 0.00003 and 0.00004.
gnomAD v4.1: 30 of 1,614,000 alleles (0.0019%); highest among the groups gnomAD compares: African/African-American, 0.0027%; no homozygotes.

Submission:

Labcorp Genetics (formerly Invitae), Labcorp
Classification: Uncertain significance for Progressive myoclonic epilepsy type 5. Last evaluated: 2024-06-26. Review status: criteria provided, single submitter. Criteria: Invitae Variant Classification Sherloc (09022015). Collection method: clinical testing. Allele origin: germline.
Comment: This sequence change replaces asparagine, which is neutral and polar, with histidine, which is basic and polar, at codon 91 of the PRICKLE2 protein (p.Asn91His). This variant is present in population databases (no rsID available, gnomAD 0.003%). This variant has not been reported in the literature in individuals affected with PRICKLE2-related conditions. ClinVar contains an entry for this variant (Variation ID: 945693). Advanced modeling of protein sequence and biophysical properties (such as structural, functional, and spatial information, amino acid conservation, physicochemical variation, residue mobility, and thermodynamic stability) performed at Invitae indicates that this missense variant is not expected to disrupt PRICKLE2 protein function with a negative predictive value of 80%. In summary, the available evidence is currently insufficient to determine the role of this variant in disease. Therefore, it has been classified as a Variant of Uncertain Significance.

NM_198859.4(PRICKLE2):c.271A>C (p.Asn91His)

Gene: PRICKLE2 (prickle planar cell polarity protein 2; minus strand). Cytogenetic location: 3p14.1.
Variant type: single nucleotide variant.
Coding change: c.271A>C on transcript NM_198859.4 (MANE Select); coding-DNA position 271, A replaced by C.
Protein change: p.Asn91His; replaces asparagine 91 with histidine.
Molecular consequence: missense variant.
Genome position (GRCh38, 1-based): chr3:64,160,065, T>G on the plus strand (A>C on the coding strand, the complement: PRICKLE2 is on the minus strand). VCF-style: chr3-64160065-T-G. GRCh37 (hg19) VCF-style: chr3-64145741-T-G.
Other names: c.271A>C, p.Asn91His (NM_001370528.1); short protein forms N91H.
Identifiers: ClinVar variation 945693 (VCV000945693.7), dbSNP rs1256565263, ClinGen allele CA353435774.